The following is an entry in ClinVar:

ClinVar aggregate classification (germline): Uncertain significance. Review status: criteria provided, multiple submitters, no conflicts (2 of 4 stars). 3 submissions from 3 submitters: Uncertain significance (3). Last evaluated 2024-03-06.

Conditions:
Cardiovascular phenotype. Identifiers: MedGen CN230736.
Arrhythmogenic right ventricular cardiomyopathy (ARVD). Also called: Arrhythmogenic cardiomyopathy; Cardiomyopathy, ARVC; Arrhythmogenic right ventricular dysplasia; Arrhythmogenic Right Ventricular Cardiomyopathy (ARVC). Identifiers: Orphanet 247, MedGen C0349788, MeSH D019571, MONDO:0016587. Disease mechanism: loss of function. Inheritance: Various modes of inheritance.
Cardiomyopathy (CMYO). Also called: Cardiomyopathies. Identifiers: Orphanet 167848, MedGen C0878544, MONDO:0004994, HP:0001638. Inheritance: Various modes of inheritance.

Allele frequency attached by ClinVar (database versions not stated): ExAC 0.00002; gnomAD exomes 0.00002.
gnomAD v4.1: 12 of 1,614,164 alleles (0.00074%); highest among the groups gnomAD compares: South Asian, 0.013%; no homozygotes.

Submissions (3):

Color Diagnostics, LLC DBA Color Health
Classification: Uncertain significance for Cardiomyopathy. Last evaluated: 2024-03-06. Review status: criteria provided, single submitter. Criteria: ACMG Guidelines, 2015. Collection method: clinical testing. Allele origin: germline.
Comment: This missense variant replaces glycine with serine at codon 727 of the DSG2 protein. Computational prediction tool suggests that this variant may not impact protein structure and function (internally defined REVEL score threshold <=0.5, PMID: 27666373). To our knowledge, functional studies have not been performed for this variant. This variant has not been reported in individuals affected with cardiovascular disorders in the literature. This variant has been identified in 6/249446 chromosomes in the general population by the Genome Aggregation Database (gnomAD). The available evidence is insufficient to determine the role of this variant in disease conclusively. Therefore, this variant is classified as a Variant of Uncertain Significance.

All of Us Research Program, National Institutes of Health
Classification: Uncertain significance for Arrhythmogenic right ventricular cardiomyopathy. Last evaluated: 2023-08-15. Review status: criteria provided, single submitter. Criteria: ACMG Guidelines, 2015. Collection method: clinical testing. Allele origin: germline. Inheritance: Autosomal dominant inheritance. Observed: 2 variant alleles, 2 heterozygotes.
Comment: This missense variant replaces glycine with serine at codon 727 of the DSG2 protein. Computational prediction tool suggests that this variant may not impact protein structure and function (internally defined REVEL score threshold <=0.5, PMID: 27666373). Splice site prediction tools suggest that this variant may not impact RNA splicing. To our knowledge, functional studies have not been performed for this variant. This variant has not been reported in individuals affected with cardiovascular disorders in the literature. This variant has been identified in 6/249446 chromosomes in the general population by the Genome Aggregation Database (gnomAD). The available evidence is insufficient to determine the role of this variant in disease conclusively. Therefore, this variant is classified as a Variant of Uncertain Significance.

This study involves interpretation of variants in research participants for the purpose of population health screening. Participant phenotype was not available at the time of variant classification. Additional details can be found in publication PMID: 35346344, PMCID: PMC8962531

Ambry Genetics
Classification: Uncertain significance for Cardiovascular phenotype. Last evaluated: 2023-01-15. Review status: criteria provided, single submitter. Criteria: Ambry Variant Classification Scheme 2023. Collection method: clinical testing. Allele origin: germline.
Comment: The p.G727S variant (also known as c.2179G>A), located in coding exon 14 of the DSG2 gene, results from a G to A substitution at nucleotide position 2179. The glycine at codon 727 is replaced by serine, an amino acid with similar properties. This amino acid position is conserved. In addition, this alteration is predicted to be tolerated by in silico analysis. Since supporting evidence is limited at this time, the clinical significance of this alteration remains unclear.

NM_001943.5(DSG2):c.2179G>A (p.Gly727Ser)

Genes: DSG2 (desmoglein 2; plus strand), DSG2-AS1 (DSG2 antisense RNA 1; minus strand). Cytogenetic location: 18q12.1.
Variant type: single nucleotide variant.
Coding change: c.2179G>A on transcript NM_001943.5 (MANE Select); coding-DNA position 2179, G replaced by A.
Protein change: p.Gly727Ser; replaces glycine 727 with serine.
Molecular consequence: missense variant.
Genome position (GRCh38, 1-based): chr18:31,542,697, G>A. VCF-style: chr18-31542697-G-A. GRCh37 (hg19) VCF-style: chr18-29122660-G-A.
Other names: c.2179G>A (NM_001943.3); short protein forms G727S.
Identifiers: ClinVar variation 923190 (VCV000923190.8), dbSNP rs755555966, ClinGen allele CA045147.
Genomic context (GRCh38, chr18:31,542,697, plus strand): 5'-GGGCAACATGAGATGTCCGAGATGGATGGAAGGTGGGAAGAACACAGAAGCCTGCTTTCT[G>A]GTAGAGCTACCCAGTTTACAGGGGCCACAGGCGCTATCATGACCACTGAAACCACGAAGA-3'
Protein context (NP_001934.2, residues 717-737): RWEEHRSLLS[Gly727Ser]RATQFTGATG